The following is an entry in ClinVar:

ClinVar aggregate classification (germline): Uncertain significance (1 of 4 stars; one submission).

Submission:

Greenwood Genetic Center Diagnostic Laboratories, Greenwood Genetic Center
Classification: Uncertain significance. Last evaluated: 2025-06-11. Review status: criteria provided, single submitter. Criteria: ACMG Guidelines, 2015. Collection method: clinical testing. Allele origin: germline. Affected: yes.
Comment: PM2, BP7

NM_003107.3(SOX4):c.312C>T (p.Asp104=)

Gene: SOX4 (SRY-box transcription factor 4; plus strand). Cytogenetic location: 6p22.3.
Variant type: single nucleotide variant.
Coding change: c.312C>T on transcript NM_003107.3 (MANE Select); coding-DNA position 312, C replaced by T.
Protein change: p.Asp104=; no amino-acid change (aspartic acid 104 retained).
Molecular consequence: synonymous variant.
Genome position (GRCh38, 1-based): chr6:21,594,846, C>T. VCF-style: chr6-21594846-C-T. GRCh37 (hg19) VCF-style: chr6-21595077-C-T.
Identifiers: ClinVar variation 4538300 (VCV004538300.1).